The following is an entry in ClinVar:

NM_003922.4(HERC1):c.8861T>G (p.Leu2954Arg)

Gene: HERC1 (HECT and RLD domain containing E3 ubiquitin protein ligase family member 1; minus strand). Cytogenetic location: 15q22.31.
Variant type: single nucleotide variant.
Coding change: c.8861T>G on transcript NM_003922.4 (MANE Select); coding-DNA position 8861, T replaced by G.
Protein change: p.Leu2954Arg; replaces leucine 2954 with arginine.
Molecular consequence: missense variant.
Genome position (GRCh38, 1-based): chr15:63,663,024, A>C on the plus strand (T>G on the coding strand, the complement: HERC1 is on the minus strand). VCF-style: chr15-63663024-A-C. GRCh37 (hg19) VCF-style: chr15-63955223-A-C.
Other names: short protein forms L2954R.
Identifiers: ClinVar variation 3371029 (VCV003371029.1).

ClinVar aggregate classification (germline): Uncertain significance (1 of 4 stars; one submission).

gnomAD v4.1: 4 of 1,613,894 alleles (0.00025%); highest among the groups gnomAD compares: Non-Finnish European, 0.00034%; no homozygotes.

Submission:

GeneDx
Classification: Uncertain significance. Last evaluated: 2024-03-15. Review status: criteria provided, single submitter. Criteria: GeneDx Variant Classification Process June 2021. Collection method: clinical testing. Allele origin: germline. Affected: yes.
Comment: Not observed at significant frequency in large population cohorts (gnomAD); In silico analysis supports that this missense variant does not alter protein structure/function; Has not been previously published as pathogenic or benign to our knowledge